The following is an entry in ClinVar:

ClinVar aggregate classification (germline): Likely benign. Review status: criteria provided, multiple submitters, no conflicts (2 of 4 stars). 2 submissions from 2 submitters: Likely benign (2). Last evaluated 2026-07-01.

gnomAD v4.1: 50 of 1,613,592 alleles (0.0031%); highest among the groups gnomAD compares: Non-Finnish European, 0.0036%; no homozygotes.

Submissions (2):

CeGaT Center for Human Genetics Tuebingen
Classification: Likely benign. Last evaluated: 2026-07-01. Review status: criteria provided, single submitter. Criteria: CeGaT Center For Human Genetics Tuebingen Variant Classification Criteria Version 2. Collection method: clinical testing. Allele origin: germline. Affected: yes. Observed: 1 variant allele.
Comment: ASCC3: BP4, BP7

Blueprint Genetics
Classification: Likely benign. Last evaluated: 2023-05-15. Review status: criteria provided, single submitter. Criteria: ACMG Guidelines, 2015. Collection method: clinical testing. Allele origin: germline.

NM_006828.4(ASCC3):c.4272C>T (p.Ile1424=)

Gene: ASCC3 (activating signal cointegrator 1 complex subunit 3; minus strand). Cytogenetic location: 6q16.3.
Variant type: single nucleotide variant.
Coding change: c.4272C>T on transcript NM_006828.4 (MANE Select); coding-DNA position 4272, C replaced by T.
Protein change: p.Ile1424=; no amino-acid change (isoleucine 1424 retained).
Molecular consequence: synonymous variant.
Genome position (GRCh38, 1-based): chr6:100,629,118, G>A on the plus strand (C>T on the coding strand, the complement: ASCC3 is on the minus strand). VCF-style: chr6-100629118-G-A. GRCh37 (hg19) VCF-style: chr6-101076994-G-A.
Identifiers: ClinVar variation 4893564 (VCV004893564.2).